The following is an entry in ClinVar:

ClinVar aggregate classification (germline): Likely pathogenic (1 of 4 stars; one submission).

Conditions:
Fucosidosis. Also called: ALPHA-L-FUCOSIDASE DEFICIENCY. Identifiers: Orphanet 349, MedGen C0016788, MONDO:0009254, OMIM 230000.

Submission:

Labcorp Genetics (formerly Invitae), Labcorp
Classification: Likely pathogenic for Fucosidosis. Last evaluated: 2024-02-26. Review status: criteria provided, single submitter. Criteria: Invitae Variant Classification Sherloc (09022015). Collection method: clinical testing. Allele origin: germline.
Comment: This sequence change affects a donor splice site in intron 1 of the FUCA1 gene. It is expected to disrupt RNA splicing. Variants that disrupt the donor or acceptor splice site typically lead to a loss of protein function (PMID: 16199547), and loss-of-function variants in FUCA1 are known to be pathogenic (PMID: 10094192). This variant is not present in population databases (gnomAD no frequency). This variant has not been reported in the literature in individuals affected with FUCA1-related conditions. Algorithms developed to predict the effect of sequence changes on RNA splicing suggest that this variant may disrupt the consensus splice site. In summary, the currently available evidence indicates that the variant is pathogenic, but additional data are needed to prove that conclusively. Therefore, this variant has been classified as Likely Pathogenic.

Literature cited by the submitters: PubMed 16199547; PubMed 10094192.

NM_000147.5(FUCA1):c.389+2T>G

Genes: FUCA1 (alpha-L-fucosidase 1; minus strand), LOC129929685 (ATAC-STARR-seq lymphoblastoid silent region 427; plus strand). Cytogenetic location: 1p36.11.
Variant type: single nucleotide variant.
Coding change: c.389+2T>G on transcript NM_000147.5 (MANE Select); the canonical splice donor site of the intron after coding-DNA position 389, T replaced by G.
Molecular consequence: splice donor variant. On other transcripts: non-coding transcript variant (2).
Genome position (GRCh38, 1-based): chr1:23,867,896, A>C on the plus strand (T>G on the coding strand, the complement: FUCA1 is on the minus strand). VCF-style: chr1-23867896-A-C. GRCh37 (hg19) VCF-style: chr1-24194386-A-C.
Identifiers: ClinVar variation 3643419 (VCV003643419.2).